The following is an entry in ClinVar:

NM_001257293.2(HNRNPH1):c.836G>T (p.Gly279Val)

Genes: HNRNPH1 (heterogeneous nuclear ribonucleoprotein H1; minus strand), LOC128966623 (uncharacterized LOC128966623; plus strand). Cytogenetic location: 5q35.3.
Variant type: single nucleotide variant.
Coding change: c.836G>T on transcript NM_001257293.2 (MANE Select); coding-DNA position 836, G replaced by T.
Protein change: p.Gly279Val; replaces glycine 279 with valine.
Molecular consequence: missense variant.
Genome position (GRCh38, 1-based): chr5:179,617,884, C>A on the plus strand (G>T on the coding strand, the complement: HNRNPH1 is on the minus strand). VCF-style: chr5-179617884-C-A. GRCh37 (hg19) VCF-style: chr5-179044885-C-A.
Other names: c.836G>T, p.Gly279Val (NM_001363572.2, NM_001364225.2, NM_001364226.2 and 27 more transcripts); c.815G>T, p.Gly272Val (NM_001364240.2, NM_001364241.2, NM_001364242.2 and 6 more transcripts); c.680G>T, p.Gly227Val (NM_001364250.2); c.233G>T, p.Gly78Val (NM_001364251.2, NM_001364252.2, NM_001364253.2 and 4 more transcripts); c.605G>T, p.Gly202Val (NM_001395190.1); c.518G>T, p.Gly173Val (NM_001395191.1, NM_001395192.1); c.425G>T, p.Gly142Val (NM_001395193.1); short protein forms G142V, G173V, G202V, G227V, G272V, G279V, G78V.
Identifiers: ClinVar variation 3383885 (VCV003383885.1).

ClinVar aggregate classification (germline): Uncertain significance (1 of 4 stars; one submission).

Submission:

GeneDx
Classification: Uncertain significance. Last evaluated: 2024-05-31. Review status: criteria provided, single submitter. Criteria: GeneDx Variant Classification Process June 2021. Collection method: clinical testing. Allele origin: germline. Affected: yes.
Comment: Not observed at significant frequency in large population cohorts (gnomAD); In silico analysis supports that this missense variant has a deleterious effect on protein structure/function; Has not been previously published as pathogenic or benign to our knowledge